The following is an entry in ClinVar:

ClinVar aggregate classification (germline): Uncertain significance (1 of 4 stars; one submission).

gnomAD v4.1: 28 of 1,613,212 alleles (0.0017%); highest among the groups gnomAD compares: Non-Finnish European, 0.0021%; no homozygotes.

Submission:

Labcorp Genetics (formerly Invitae), Labcorp
Classification: Uncertain significance. Last evaluated: 2025-10-17. Review status: criteria provided, single submitter. Criteria: Invitae Variant Classification Sherloc (09022015). Collection method: clinical testing. Allele origin: germline.
Comment: This sequence change replaces aspartic acid, which is acidic and polar, with valine, which is neutral and non-polar, at codon 503 of the KMT2E protein (p.Asp503Val). The frequency data for this variant in the population databases is considered unreliable, as metrics indicate poor data quality at this position in the gnomAD database. This variant has not been reported in the literature in individuals affected with KMT2E-related conditions. Invitae Evidence Modeling of protein sequence and biophysical properties (such as structural, functional, and spatial information, amino acid conservation, physicochemical variation, residue mobility, and thermodynamic stability) indicates that this missense variant is not expected to disrupt KMT2E protein function with a negative predictive value of 80%. In summary, the available evidence is currently insufficient to determine the role of this variant in disease. Therefore, it has been classified as a Variant of Uncertain Significance.

NM_182931.3(KMT2E):c.1508A>T (p.Asp503Val)

Gene: KMT2E (lysine methyltransferase 2E (inactive); plus strand). Cytogenetic location: 7q22.3.
Variant type: single nucleotide variant.
Coding change: c.1508A>T on transcript NM_182931.3 (MANE Select); coding-DNA position 1508, A replaced by T.
Protein change: p.Asp503Val; replaces aspartic acid 503 with valine.
Molecular consequence: missense variant.
Genome position (GRCh38, 1-based): chr7:105,090,158, A>T. VCF-style: chr7-105090158-A-T. GRCh37 (hg19) VCF-style: chr7-104730605-A-T.
Other names: c.1508A>T, p.Asp503Val (NM_001410908.1, NM_018682.4); short protein forms D503V.
Identifiers: ClinVar variation 4765670 (VCV004765670.1).